The following is an entry in ClinVar:

ClinVar aggregate classification (germline): Uncertain significance (1 of 4 stars; one submission).

Conditions:
Charcot-Marie-Tooth disease axonal type 2Z. Also called: CHARCOT-MARIE-TOOTH DISEASE, AXONAL, AUTOSOMAL DOMINANT, TYPE 2Z; CHARCOT-MARIE-TOOTH NEUROPATHY, TYPE 2Z. Identifiers: Orphanet 466768, MedGen C5569025, MONDO:0014736, OMIM 616688.

Allele frequency attached by ClinVar (database versions not stated): gnomAD 0.00001.
gnomAD v4.1: 2 of 1,613,442 alleles (0.00012%); highest among the groups gnomAD compares: African/African-American, 0.0013%; no homozygotes.

Submission:

Labcorp Genetics (formerly Invitae), Labcorp
Classification: Uncertain significance for Charcot-Marie-Tooth disease axonal type 2Z. Last evaluated: 2023-07-22. Review status: criteria provided, single submitter. Criteria: Invitae Variant Classification Sherloc (09022015). Collection method: clinical testing. Allele origin: germline.
Comment: This sequence change affects codon 201 of the MORC2 mRNA. It is a 'silent' change, meaning that it does not change the encoded amino acid sequence of the MORC2 protein. This variant is not present in population databases (gnomAD no frequency). This variant has not been reported in the literature in individuals affected with MORC2-related conditions. Algorithms developed to predict the effect of sequence changes on RNA splicing suggest that this variant may disrupt the consensus splice site. In summary, the available evidence is currently insufficient to determine the role of this variant in disease. Therefore, it has been classified as a Variant of Uncertain Significance.

NM_001303256.3(MORC2):c.603C>T (p.Ile201=)

Gene: MORC2 (MORC family CW-type zinc finger 2; minus strand). Cytogenetic location: 22q12.2.
Variant type: single nucleotide variant.
Coding change: c.603C>T on transcript NM_001303256.3 (MANE Select); coding-DNA position 603, C replaced by T.
Protein change: p.Ile201=; no amino-acid change (isoleucine 201 retained).
Molecular consequence: synonymous variant.
Genome position (GRCh38, 1-based): chr22:30,941,986, G>A on the plus strand (C>T on the coding strand, the complement: MORC2 is on the minus strand). VCF-style: chr22-30941986-G-A. GRCh37 (hg19) VCF-style: chr22-31337973-G-A.
Other names: c.603C>T, p.Ile201= (NM_001303257.2); c.417C>T, p.Ile139= (NM_014941.3).
Identifiers: ClinVar variation 2877037 (VCV002877037.3), dbSNP rs2040748114, ClinGen allele CA514458432.